The following is an entry in ClinVar:

NM_000348.4(SRD5A2):c.433C>T (p.Arg145Trp)

Gene: SRD5A2 (steroid 5 alpha-reductase 2; minus strand). Cytogenetic location: 2p23.1.
Variant type: single nucleotide variant.
Coding change: c.433C>T on transcript NM_000348.4 (MANE Select); coding-DNA position 433, C replaced by T.
Protein change: p.Arg145Trp; replaces arginine 145 with tryptophan.
Molecular consequence: missense variant.
Genome position (GRCh38, 1-based): chr2:31,533,615, G>A on the plus strand (C>T on the coding strand, the complement: SRD5A2 is on the minus strand). VCF-style: chr2-31533615-G-A. GRCh37 (hg19) VCF-style: chr2-31758685-G-A.
Other names: c.433C>T (NM_000348.3); short protein forms R145W.
Identifiers: ClinVar variation 2716510 (VCV002716510.5), dbSNP rs759561106, ClinGen allele CA1599943.
Genomic context (GRCh38, chr2:31,533,615, plus strand): 5'-AAGGGTTGTTAGCTGGGAAGTAGGTGAGAAGTGGGCAGATTCACTTACCCAAGCTAAACC[G>A]TATGTCTGTGTACCACCCATCAGGGTATTCAGCACAGTAAATCAGATAGTAGCCTTGAAG-3'
Protein context (NP_000339.2, residues 135-155): EYPDGWYTDI[Arg145Trp]FSLGVFLFIL

ClinVar aggregate classification (germline): Pathogenic/Likely pathogenic. Review status: criteria provided, multiple submitters, no conflicts (2 of 4 stars). 3 submissions from 3 submitters: Pathogenic (1); Likely pathogenic (2). Last evaluated 2026-04-05.

Conditions:
3-Oxo-5 alpha-steroid delta 4-dehydrogenase deficiency (PPSH). Also called: PSEUDOVAGINAL PERINEOSCROTAL HYPOSPADIAS; FAMILIAL INCOMPLETE MALE PSEUDOHERMAPHRODITISM, TYPE 2; MALE PSEUDOHERMAPHRODITISM DUE TO 5-ALPHA-REDUCTASE DEFICIENCY; 46,XY disorder of sex development due to 5-alpha-reductase 2 deficiency. Identifiers: Orphanet 753, MedGen C0268297, MONDO:0009923, OMIM 264600. Disease mechanism: loss of function.

Allele frequency attached by ClinVar (database versions not stated): ExAC 0.00004.

Submissions (3):

GeneDx
Classification: Pathogenic. Last evaluated: 2026-04-05. Review status: criteria provided, single submitter. Criteria: GeneDx Variant Classification Process June 2021. Collection method: clinical testing. Allele origin: germline.
Comment: Published functional studies demonstrate severely reduced enzyme function (PMID: 32380235); Missense variants in this gene are a common cause of disease and they are underrepresented in the general population; In silico analysis supports that this missense variant has a deleterious effect on protein structure/function; This variant is associated with the following publications: (PMID: 34426522, 16181229, 30695888, 32380235, 32713132, 35700942, 8110760, 8262007)

Fulgent Genetics
Classification: Likely pathogenic for 3-Oxo-5 alpha-steroid delta 4-dehydrogenase deficiency. Last evaluated: 2024-06-06. Review status: criteria provided, single submitter. Criteria: ACMG Guidelines, 2015. Collection method: clinical testing. Allele origin: germline.

Labcorp Genetics (formerly Invitae), Labcorp
Classification: Likely pathogenic for 3-Oxo-5 alpha-steroid delta 4-dehydrogenase deficiency. Last evaluated: 2023-12-13. Review status: criteria provided, single submitter. Criteria: Invitae Variant Classification Sherloc (09022015). Collection method: clinical testing. Allele origin: germline.
Comment: This sequence change replaces arginine, which is basic and polar, with tryptophan, which is neutral and slightly polar, at codon 145 of the SRD5A2 protein (p.Arg145Trp). This variant is present in population databases (rs759561106, gnomAD 0.01%). This missense change has been observed in individual(s) with clinical features of steroid-5 alpha-reductase deficiency (PMID: 8262007, 16181229, 32713132, 35700942). In at least one individual the data is consistent with being in trans (on the opposite chromosome) from a pathogenic variant. Advanced modeling of protein sequence and biophysical properties (such as structural, functional, and spatial information, amino acid conservation, physicochemical variation, residue mobility, and thermodynamic stability) performed at Invitae indicates that this missense variant is not expected to disrupt SRD5A2 protein function with a negative predictive value of 80%. Experimental studies have shown that this missense change affects SRD5A2 function (PMID: 8110760, 32380235). This variant disrupts the p.Arg145 amino acid residue in SRD5A2. Other variant(s) that disrupt this residue have been observed in individuals with SRD5A2-related conditions (PMID: 25899528), which suggests that this may be a clinically significant amino acid residue. In summary, the currently available evidence indicates that the variant is pathogenic, but additional data are needed to prove that conclusively. Therefore, this variant has been classified as Likely Pathogenic.

Literature cited by the submitters: PubMed 8262007 (cited by Labcorp Genetics (formerly Invitae), Labcorp); PubMed 16181229 (cited by Labcorp Genetics (formerly Invitae), Labcorp); PubMed 32713132 (cited by Labcorp Genetics (formerly Invitae), Labcorp); PubMed 35700942 (cited by Labcorp Genetics (formerly Invitae), Labcorp); PubMed 8110760 (cited by Labcorp Genetics (formerly Invitae), Labcorp); PubMed 32380235 (cited by Labcorp Genetics (formerly Invitae), Labcorp); PubMed 25899528 (cited by Labcorp Genetics (formerly Invitae), Labcorp).